The following is an entry in ClinVar:

NM_001286445.3(RIPOR2):c.1252G>A (p.Gly418Arg)

Gene: RIPOR2 (RHO family interacting cell polarization regulator 2; minus strand). Cytogenetic location: 6p22.3.
Variant type: single nucleotide variant.
Coding change: c.1252G>A on transcript NM_001286445.3 (MANE Select); coding-DNA position 1252, G replaced by A.
Protein change: p.Gly418Arg; replaces glycine 418 with arginine.
Molecular consequence: missense variant.
Genome position (GRCh38, 1-based): chr6:24,843,467, C>T on the plus strand (G>A on the coding strand, the complement: RIPOR2 is on the minus strand). VCF-style: chr6-24843467-C-T. GRCh37 (hg19) VCF-style: chr6-24843695-C-T.
Other names: c.1267G>A, p.Gly423Arg (NM_001286446.3); c.1165G>A, p.Gly389Arg (NM_001286447.2, NM_001346031.2, NM_001346032.2 and 1 more transcripts); c.1315G>A, p.Gly439Arg (NM_014722.5); short protein forms G418R, G439R, G389R, G423R.
Identifiers: ClinVar variation 2768093 (VCV002768093.4), dbSNP rs777868078, ClinGen allele CA3659278.

ClinVar aggregate classification (germline): Uncertain significance. Review status: criteria provided, multiple submitters, no conflicts (2 of 4 stars). 2 submissions from 2 submitters: Uncertain significance (2). Last evaluated 2023-10-16.

Allele frequency attached by ClinVar (database versions not stated): gnomAD 0.00001; gnomAD exomes 0.00001; TOPMed 0.00001; ExAC 0.00002.
gnomAD v4.1: 14 of 1,600,558 alleles (0.00087%); highest among the groups gnomAD compares: Admixed American, 0.015%; no homozygotes.

Submissions (2):

Labcorp Genetics (formerly Invitae), Labcorp
Classification: Uncertain significance. Last evaluated: 2023-10-16. Review status: criteria provided, single submitter. Criteria: Invitae Variant Classification Sherloc (09022015). Collection method: clinical testing. Allele origin: germline.
Comment: This sequence change replaces glycine, which is neutral and non-polar, with arginine, which is basic and polar, at codon 439 of the FAM65B protein (p.Gly439Arg). This variant is present in population databases (rs777868078, gnomAD 0.02%). This variant has not been reported in the literature in individuals affected with FAM65B-related conditions. An algorithm developed to predict the effect of missense changes on protein structure and function (PolyPhen-2) suggests that this variant is likely to be disruptive. In summary, the available evidence is currently insufficient to determine the role of this variant in disease. Therefore, it has been classified as a Variant of Uncertain Significance.

Blueprint Genetics
Classification: Uncertain significance. Last evaluated: 2019-05-21. Review status: criteria provided, single submitter. Criteria: ACMG Guidelines, 2015. Collection method: clinical testing. Allele origin: germline.